The following is an entry in ClinVar:

ClinVar aggregate classification (germline): Uncertain significance (1 of 4 stars; one submission).

Submission:

Labcorp Genetics (formerly Invitae), Labcorp
Classification: Uncertain significance. Last evaluated: 2022-03-15. Review status: criteria provided, single submitter. Criteria: Invitae Variant Classification Sherloc (09022015). Collection method: clinical testing. Allele origin: germline.
Comment: In summary, the available evidence is currently insufficient to determine the role of this variant in disease. Therefore, it has been classified as a Variant of Uncertain Significance. Advanced modeling of protein sequence and biophysical properties (such as structural, functional, and spatial information, amino acid conservation, physicochemical variation, residue mobility, and thermodynamic stability) performed at Invitae indicates that this missense variant is not expected to disrupt FAT4 protein function. This variant has not been reported in the literature in individuals affected with FAT4-related conditions. This variant is not present in population databases (gnomAD no frequency). This sequence change replaces proline, which is neutral and non-polar, with histidine, which is basic and polar, at codon 954 of the FAT4 protein (p.Pro954His).

NM_001291303.3(FAT4):c.2861C>A (p.Pro954His)

Gene: FAT4 (FAT atypical cadherin 4; plus strand). Cytogenetic location: 4q28.1.
Variant type: single nucleotide variant.
Coding change: c.2861C>A on transcript NM_001291303.3 (MANE Select); coding-DNA position 2861, C replaced by A.
Protein change: p.Pro954His; replaces proline 954 with histidine.
Molecular consequence: missense variant.
Genome position (GRCh38, 1-based): chr4:125,319,272, C>A. VCF-style: chr4-125319272-C-A. GRCh37 (hg19) VCF-style: chr4-126240427-C-A.
Other names: c.2861C>A, p.Pro954His (NM_001291285.3, NM_024582.6); short protein forms P954H.
Identifiers: ClinVar variation 2106650 (VCV002106650.4), dbSNP rs2530438841, ClinGen allele CA358121260.